The following is an entry in ClinVar:

NM_000517.6(HBA2):c.*108G>A

Genes: HBA2 (hemoglobin subunit alpha 2; plus strand), LOC106804612 (hemoglobin subunit alpha 2 recombination region; plus strand). Cytogenetic location: 16p13.3.
Variant type: single nucleotide variant.
Coding change: c.*108G>A on transcript NM_000517.6 (MANE Select); 108 bases downstream of the stop codon, G replaced by A.
Molecular consequence: 3 prime UTR variant.
Genome position (GRCh38, 1-based): chr16:173,708, G>A. VCF-style: chr16-173708-G-A. GRCh37 (hg19) VCF-style: chr16-223707-G-A.
Identifiers: ClinVar variation 2775422 (VCV002775422.2), dbSNP rs1596570856, ClinGen allele CA2630738176.

ClinVar aggregate classification (germline): Uncertain significance (1 of 4 stars; one submission).

Conditions:
Thalassemia. Identifiers: MedGen C0039730, MONDO:0000984.

Submission:

MVZ Dr. Eberhard & Partner Dortmund
Classification: Uncertain significance for Thalassemia. Last evaluated: 2023-12-06. Review status: criteria provided, single submitter. Criteria: ACMG Guidelines, 2015. Collection method: clinical testing. Allele origin: unknown. Observed: 1 heterozygote.
Comment: This variant has not yet been mentioned in the literature and there is also no data available on the allele frequency of the variant. According to the literature, c.*108G should lie within a hairpin structure of the alpha globin mRNA and form a base pairing with c.*67C. The variant c.*108G>A would eliminate this base pairing and reduce the number of nucleotides within the stem from 4 to 3. This stem is postulated to emphasize the single stranded recognition site for the erythroid enriched endonuclease wich is why it cannot be ruled out that the variant has an influence on the stabilization of the alpha globin mRNA and thus on protein expression (PMID: 12671183).

Literature cited by the submitters: PubMed 12671183.